The following is an entry in ClinVar:

NM_024063.3(AFG2B):c.809T>C (p.Leu270Pro)

Gene: AFG2B (AAA ATPase AFG2B; plus strand). Cytogenetic location: 15q21.1.
Variant type: single nucleotide variant.
Coding change: c.809T>C on transcript NM_024063.3 (MANE Select); coding-DNA position 809, T replaced by C.
Protein change: p.Leu270Pro; replaces leucine 270 with proline.
Molecular consequence: missense variant. On other transcripts: non-coding transcript variant (5).
Genome position (GRCh38, 1-based): chr15:45,403,238, T>C. VCF-style: chr15-45403238-T-C. GRCh37 (hg19) VCF-style: chr15-45695436-T-C.
Other names: c.809T>C, p.Leu270Pro (NM_001323640.2); short protein forms L270P.
Identifiers: ClinVar variation 3901187 (VCV003901187.2).

ClinVar aggregate classification (germline): Likely pathogenic (1 of 4 stars; one submission).

Conditions:
Neurodevelopmental disorder with hearing loss and spasticity. Identifiers: Orphanet 659975, MedGen C5562024, MONDO:0859206, OMIM 619616.

Submission:

Institute of Human Genetics, University of Leipzig Medical Center
Classification: Likely pathogenic for Neurodevelopmental disorder with hearing loss and spasticity. Last evaluated: 2025-05-13. Review status: criteria provided, single submitter. Criteria: ACMG Guidelines, 2015. Collection method: clinical testing. Allele origin: paternal. Inheritance: Autosomal recessive inheritance. Affected: yes.
Comment: Criteria applied: PM2,PP2,PP3,PM3